The following is an entry in ClinVar:

ClinVar aggregate classification (germline): Conflicting classifications of pathogenicity. Review status: criteria provided, conflicting classifications (1 of 4 stars). 3 submissions from 3 submitters: Uncertain significance (1); Likely benign (2). Last evaluated 2026-07-06.

Conditions:
PEX10-related disorder. Also called: PEX10-related condition.
Peroxisome biogenesis disorder, complementation group 7 (CG7). Also called: Peroxisome biogenesis disorder, complementation group B. Identifiers: MedGen C1864399.

Allele frequency attached by ClinVar (database versions not stated): gnomAD 0.00003; TOPMed 0.00003; ExAC 0.00004; 1000 Genomes Project 0.00020; 1000 Genomes Project 30x 0.00031; gnomAD exomes 0.00001 and 0.00002.
gnomAD v4.1: 19 of 1,613,042 alleles (0.0012%); highest among the groups gnomAD compares: African/African-American, 0.004%; no homozygotes.

Submissions (3):

PreventionGenetics, part of Exact Sciences
Classification: Likely benign for PEX10-related condition. Last evaluated: 2026-07-06. Review status: criteria provided, single submitter. Criteria: ACMG Guidelines, 2015. Collection method: clinical testing. Allele origin: germline.
Comment: This variant is classified as likely benign based on ACMG/AMP sequence variant interpretation guidelines (Richards et al. 2015 PMID: 25741868, with internal and published modifications).

Labcorp Genetics (formerly Invitae), Labcorp
Classification: Likely benign for Peroxisome biogenesis disorder, complementation group 7. Last evaluated: 2026-01-13. Review status: criteria provided, single submitter. Criteria: Invitae Variant Classification Sherloc (09022015). Collection method: clinical testing. Allele origin: germline.

Eurofins Ntd Llc (ga)
Classification: Uncertain significance. Last evaluated: 2017-12-26. Review status: criteria provided, single submitter. Criteria: EGL Classification Definitions 2015. Collection method: clinical testing. Allele origin: germline. Observed: 1 variant allele, 1 heterozygote.

NM_002617.4(PEX10):c.363C>T (p.Pro121=)

Gene: PEX10 (peroxisomal biogenesis factor 10; minus strand). Cytogenetic location: 1p36.32.
Variant type: single nucleotide variant.
Coding change: c.363C>T on transcript NM_002617.4 (MANE Select); coding-DNA position 363, C replaced by T.
Protein change: p.Pro121=; no amino-acid change (proline 121 retained).
Molecular consequence: synonymous variant. On other transcripts: 5 prime UTR variant (2), non-coding transcript variant (1).
Genome position (GRCh38, 1-based): chr1:2,408,689, G>A on the plus strand (C>T on the coding strand, the complement: PEX10 is on the minus strand). VCF-style: chr1-2408689-G-A. GRCh37 (hg19) VCF-style: chr1-2340128-G-A.
Other names: c.363C>T, p.Pro121= (NM_001374425.1, NM_153818.2); c.-70C>T (NM_001374426.1, NM_001374427.1); c.363C>T (NM_153818.1).
Identifiers: ClinVar variation 595575 (VCV000595575.13), dbSNP rs543982780, ClinGen allele CA538198.
Genomic context (GRCh38, chr1:2,408,689, plus strand): 5'-CGCCCCTGAGCAGCCACGCCCACCTGGCCCCAGGCTCCCCTGCAAGGGTCGCCCACTGTC[G>A]GGGTCAGCCTGCAGCTCCTGCTCCAGGGGGAGCAGGGCCTTGTCCAGCAGGTAGGGCAGG-3'
Protein context (NP_002608.1, residues 111-131): LPLEQELQAD[Pro121=]DSGRPLQGSL